The following is an entry in ClinVar:

NM_004655.4(AXIN2):c.-35A>C

Gene: AXIN2 (axin 2; minus strand). Cytogenetic location: 17q24.1.
Variant type: single nucleotide variant.
Coding change: c.-35A>C on transcript NM_004655.4 (MANE Select); 35 bases upstream of the start codon, A replaced by C.
Molecular consequence: 5 prime UTR variant.
Genome position (GRCh38, 1-based): chr17:65,558,655, T>G on the plus strand (A>C on the coding strand, the complement: AXIN2 is on the minus strand). VCF-style: chr17-65558655-T-G. GRCh37 (hg19) VCF-style: chr17-63554773-T-G.
Other names: c.-35A>C (LRG_296t1, NM_001363813.1).
Identifiers: ClinVar variation 516706 (VCV000516706.8), dbSNP rs979482699, ClinGen allele CA293107305.

ClinVar aggregate classification (germline): Likely benign. Review status: criteria provided, multiple submitters, no conflicts (2 of 4 stars). 2 submissions from 2 submitters: Likely benign (2). Last evaluated 2025-03-04.

Allele frequency attached by ClinVar (database versions not stated): gnomAD exomes 0.00001; gnomAD 0.00004 and 0.00005; TOPMed 0.00004.
gnomAD v4.1: 21 of 1,591,050 alleles (0.0013%); highest among the groups gnomAD compares: African/African-American, 0.0027%; no homozygotes.

Submissions (2):

Center for Genomic Medicine, Rigshospitalet, Copenhagen University Hospital
Classification: Likely benign. Last evaluated: 2025-03-04. Review status: criteria provided, single submitter. Criteria: ACMG Guidelines, 2015. Collection method: clinical testing. Allele origin: germline.

GeneDx
Classification: Likely benign. Last evaluated: 2017-04-02. Review status: criteria provided, single submitter. Criteria: GeneDx Variant Classification (06012015). Collection method: clinical testing. Allele origin: germline. Affected: yes.
Comment: This variant is considered likely benign or benign based on one or more of the following criteria: it is a conservative change, it occurs at a poorly conserved position in the protein, it is predicted to be benign by multiple in silico algorithms, and/or has population frequency not consistent with disease.